The following is an entry in ClinVar:

NM_006267.5(RANBP2):c.1640A>G (p.Asn547Ser)

Gene: RANBP2 (RAN binding protein 2; plus strand). Cytogenetic location: 2q13.
Variant type: single nucleotide variant.
Coding change: c.1640A>G on transcript NM_006267.5 (MANE Select); coding-DNA position 1640, A replaced by G.
Protein change: p.Asn547Ser; replaces asparagine 547 with serine.
Molecular consequence: missense variant.
Genome position (GRCh38, 1-based): chr2:108,751,879, A>G. VCF-style: chr2-108751879-A-G. GRCh37 (hg19) VCF-style: chr2-109368335-A-G.
Other names: c.1640A>G, p.Asn547Ser (NM_001415871.1, NM_001415873.1); c.1637A>G, p.Asn546Ser (NM_001415872.1); short protein forms N546S, N547S.
Identifiers: ClinVar variation 3372411 (VCV003372411.1).

ClinVar aggregate classification (germline): Uncertain significance (1 of 4 stars; one submission).

gnomAD v4.1: 1 of 1,612,004 alleles (0.000062%); highest among the groups gnomAD compares: East Asian, 0.0022%; no homozygotes.

Submission:

GeneDx
Classification: Uncertain significance. Last evaluated: 2024-04-18. Review status: criteria provided, single submitter. Criteria: GeneDx Variant Classification Process June 2021. Collection method: clinical testing. Allele origin: germline. Affected: yes.
Comment: Not observed at significant frequency in large population cohorts (gnomAD); In silico analysis indicates that this missense variant does not alter protein structure/function; Has not been previously published as pathogenic or benign to our knowledge